The following is an entry in ClinVar:

NM_000039.3(APOA1):c.308C>T (p.Thr103Ile)

Genes: APOA1 (apolipoprotein A1; minus strand), APOA1-AS (APOA1 antisense RNA; plus strand). Cytogenetic location: 11q23.3.
Variant type: single nucleotide variant.
Coding change: c.308C>T on transcript NM_000039.3 (MANE Select); coding-DNA position 308, C replaced by T.
Protein change: p.Thr103Ile; replaces threonine 103 with isoleucine.
Molecular consequence: missense variant.
Genome position (GRCh38, 1-based): chr11:116,836,304, G>A on the plus strand (C>T on the coding strand, the complement: APOA1 is on the minus strand). VCF-style: chr11-116836304-G-A. GRCh37 (hg19) VCF-style: chr11-116707020-G-A.
Other names: c.308C>T, p.Thr103Ile (NM_001318017.2, NM_001318018.2, NM_001425090.1 and 1 more transcripts); c.-20C>T (NM_001318021.2, NM_001425091.1, NM_001425092.1); short protein forms T103I.
Identifiers: ClinVar variation 3007086 (VCV003007086.3), dbSNP rs1941547477, ClinGen allele CA382716817.

ClinVar aggregate classification (germline): Uncertain significance (1 of 4 stars; one submission).

Allele frequency attached by ClinVar (database versions not stated): gnomAD exomes below 0.00001; TOPMed 0.00001.
gnomAD v4.1: 2 of 1,614,182 alleles (0.00012%); highest among the groups gnomAD compares: East Asian, 0.0022%; no homozygotes.

Submission:

Labcorp Genetics (formerly Invitae), Labcorp
Classification: Uncertain significance. Last evaluated: 2022-12-02. Review status: criteria provided, single submitter. Criteria: Invitae Variant Classification Sherloc (09022015). Collection method: clinical testing. Allele origin: germline.
Comment: In summary, the available evidence is currently insufficient to determine the role of this variant in disease. Therefore, it has been classified as a Variant of Uncertain Significance. Advanced modeling of protein sequence and biophysical properties (such as structural, functional, and spatial information, amino acid conservation, physicochemical variation, residue mobility, and thermodynamic stability) has been performed at Invitae for this missense variant, however the output from this modeling did not meet the statistical confidence thresholds required to predict the impact of this variant on APOA1 protein function. This variant has not been reported in the literature in individuals affected with APOA1-related conditions. This variant is not present in population databases (gnomAD no frequency). This sequence change replaces threonine, which is neutral and polar, with isoleucine, which is neutral and non-polar, at codon 103 of the APOA1 protein (p.Thr103Ile).